The following is an entry in ClinVar:

ClinVar aggregate classification (germline): Uncertain significance. Review status: criteria provided, multiple submitters, no conflicts (2 of 4 stars). 2 submissions from 2 submitters: Uncertain significance (2). Last evaluated 2026-09-15.

Conditions:
IFT74-related disorder. Also called: IFT74-related condition; IFT74-Related Disorders.

Allele frequency attached by ClinVar (database versions not stated): ESP Exome Variant Server 0.00008.
gnomAD v4.1: 56 of 1,613,936 alleles (0.0035%); highest among the groups gnomAD compares: Non-Finnish European, 0.0045%; no homozygotes.

Submissions (3):

PreventionGenetics, part of Exact Sciences
Classification: Uncertain significance for IFT74-related condition. Last evaluated: 2026-09-15. Review status: criteria provided, single submitter. Criteria: ACMG Guidelines, 2015. Collection method: clinical testing. Allele origin: germline.
Comment: The IFT74 c.32G>T variant is predicted to result in the amino acid substitution p.Arg11Leu. To our knowledge, this variant has not been reported in the literature. This variant is reported in 0.0056% of alleles in individuals of East Asian descent in gnomAD. At this time, the clinical significance of this variant is uncertain due to the absence of conclusive functional and genetic evidence.

Labcorp Genetics (formerly Invitae), Labcorp
Classification: Uncertain significance. Last evaluated: 2025-09-15. Review status: criteria provided, single submitter. Criteria: Invitae Variant Classification Sherloc (09022015). Collection method: clinical testing. Allele origin: germline.
Comment: This sequence change replaces arginine, which is basic and polar, with leucine, which is neutral and non-polar, at codon 11 of the IFT74 protein (p.Arg11Leu). This variant is present in population databases (rs369587850, gnomAD 0.006%). This variant has not been reported in the literature in individuals affected with IFT74-related conditions. ClinVar contains an entry for this variant (Variation ID: 1444693). An algorithm developed to predict the effect of missense changes on protein structure and function (PolyPhen-2) suggests that this variant is likely to be disruptive. In summary, the available evidence is currently insufficient to determine the role of this variant in disease. Therefore, it has been classified as a Variant of Uncertain Significance.

Dr. Peter K. Rogan Lab, Western University
No classification provided (evidence only). Condition: Uterine carcinosarcoma. Review status: no classification provided. Collection method: in vitro. Allele origin: not applicable. Functional consequence: retained intron. Not counted in ClinVar's aggregate classification.

NM_025103.4(IFT74):c.32G>T (p.Arg11Leu)

Gene: IFT74 (intraflagellar transport 74; plus strand). Cytogenetic location: 9p21.2.
Variant type: single nucleotide variant.
Coding change: c.32G>T on transcript NM_025103.4 (MANE Select); coding-DNA position 32, G replaced by T.
Protein change: p.Arg11Leu; replaces arginine 11 with leucine.
Molecular consequence: missense variant.
Genome position (GRCh38, 1-based): chr9:26,961,999, G>T. VCF-style: chr9-26961999-G-T. GRCh37 (hg19) VCF-style: chr9-26961997-G-T.
Other names: c.32G>T, p.Arg11Leu (NM_001099222.3, NM_001099223.3, NM_001099224.3 and 1 more transcripts); c.32G>T (NM_025103.2); short protein forms R11L.
Identifiers: ClinVar variation 1444693 (VCV001444693.8), dbSNP rs369587850, ClinGen allele CA5014787.